The following is an entry in ClinVar:

NM_014241.4(HACD1):c.287G>A (p.Arg96His)

Gene: HACD1 (3-hydroxyacyl-CoA dehydratase 1; minus strand). Cytogenetic location: 10p12.33.
Variant type: single nucleotide variant.
Coding change: c.287G>A on transcript NM_014241.4 (MANE Select); coding-DNA position 287, G replaced by A.
Protein change: p.Arg96His; replaces arginine 96 with histidine.
Molecular consequence: missense variant.
Genome position (GRCh38, 1-based): chr10:17,604,018, C>T on the plus strand (G>A on the coding strand, the complement: HACD1 is on the minus strand). VCF-style: chr10-17604018-C-T. GRCh37 (hg19) VCF-style: chr10-17646017-C-T.
Other names: c.287G>A (NM_014241.3); short protein forms R96H.
Identifiers: ClinVar variation 2072401 (VCV002072401.5), dbSNP rs150586011, ClinGen allele CA5427366.

ClinVar aggregate classification (germline): Uncertain significance. Review status: criteria provided, multiple submitters, no conflicts (2 of 4 stars). 2 submissions from 2 submitters: Uncertain significance (2). Last evaluated 2025-08-02.

Conditions:
Inborn genetic diseases. Identifiers: MedGen C0950123, MeSH D030342.

Allele frequency attached by ClinVar (database versions not stated): gnomAD 0.00009; TOPMed 0.00011; gnomAD exomes 0.00016; ExAC 0.00019; ESP Exome Variant Server 0.00031.
gnomAD v4.1: 251 of 1,593,750 alleles (0.016%); highest among the groups gnomAD compares: Middle Eastern, 0.034%; no homozygotes.

Submissions (2):

Ambry Genetics
Classification: Uncertain significance for Inborn genetic diseases. Last evaluated: 2025-08-02. Review status: criteria provided, single submitter. Criteria: Ambry Variant Classification Scheme 2023. Collection method: clinical testing. Allele origin: germline.

Labcorp Genetics (formerly Invitae), Labcorp
Classification: Uncertain significance. Last evaluated: 2024-01-22. Review status: criteria provided, single submitter. Criteria: Invitae Variant Classification Sherloc (09022015). Collection method: clinical testing. Allele origin: germline.
Comment: This sequence change replaces arginine, which is basic and polar, with histidine, which is basic and polar, at codon 96 of the HACD1 protein (p.Arg96His). This variant is present in population databases (rs150586011, gnomAD 0.05%). This variant has not been reported in the literature in individuals affected with HACD1-related conditions. ClinVar contains an entry for this variant (Variation ID: 2072401). Advanced modeling of protein sequence and biophysical properties (such as structural, functional, and spatial information, amino acid conservation, physicochemical variation, residue mobility, and thermodynamic stability) performed at Invitae indicates that this missense variant is not expected to disrupt HACD1 protein function with a negative predictive value of 80%. In summary, the available evidence is currently insufficient to determine the role of this variant in disease. Therefore, it has been classified as a Variant of Uncertain Significance.